The following is an entry in ClinVar:

NM_001009944.3(PKD1):c.9548G>C (p.Arg3183Pro)

Gene: PKD1 (polycystin 1, transient receptor potential channel interacting; minus strand). Cytogenetic location: 16p13.3.
Variant type: single nucleotide variant.
Coding change: c.9548G>C on transcript NM_001009944.3 (MANE Select); coding-DNA position 9548, G replaced by C.
Protein change: p.Arg3183Pro; replaces arginine 3183 with proline.
Molecular consequence: missense variant.
Genome position (GRCh38, 1-based): chr16:2,100,416, C>G on the plus strand (G>C on the coding strand, the complement: PKD1 is on the minus strand). VCF-style: chr16-2100416-C-G. GRCh37 (hg19) VCF-style: chr16-2150417-C-G.
Other names: c.9548G>C, p.Arg3183Pro (NM_000296.4); short protein forms R3183P.
Identifiers: ClinVar variation 3376921 (VCV003376921.1).

ClinVar aggregate classification (germline): Uncertain significance (1 of 4 stars; one submission).

Conditions:
Polycystic kidney disease, adult type (PKD1). Also called: POLYCYSTIC KIDNEY DISEASE, ADULT, TYPE I; Polycystic Kidney Disease 1, Autosomal Dominant; Polycystic kidney disease 1; Polycystic kidney disease 1, severe; Polycystic Kidney, Autosomal Dominant; POLYCYSTIC KIDNEY DISEASE 1 WITH OR WITHOUT POLYCYSTIC LIVER DISEASE. Identifiers: MedGen C3149841, MONDO:0008263, OMIM 173900.

Submission:

Victorian Clinical Genetics Services, Murdoch Childrens Research Institute
Classification: Uncertain significance for Polycystic kidney disease, adult type. Last evaluated: 2024-10-10. Review status: criteria provided, single submitter. Criteria: ACMG Guidelines, 2015. Collection method: clinical testing. Allele origin: germline. Inheritance: Autosomal dominant inheritance. Affected: yes.
Comment: Based on the classification scheme VCGS_Germline_v1.3.5, this variant is classified as VUS-3B. Following criteria are met: 0102 - Loss of function is a known mechanism of disease in this gene and is associated with polycystic kidney disease 1 (MIM#173900. (I) 0107 - This gene is associated with autosomal dominant disease. Polycystic kidney disease 1 (MIM#173900) is predominantly caused by monoallelic variants, with rare reports of biallelic variants causing disease (OMIM). (I) 0200 - Variant is predicted to result in a missense amino acid change from arginine to proline. (I) 0251 - This variant is heterozygous. (I) 0301 - Variant is absent from gnomAD (v2, v3 and v4). (SP) 0309 - Multiple alternative amino acid changes at the same position have been observed in gnomAD (v4) (highest allele count: 501 heterozygotes, 2 homozygotes). (I) 0501 - Missense variant consistently predicted to be damaging by multiple in silico tools or highly conserved with a major amino acid change. (SP) 0600 - Variant is located in the annotated PLAT/LH2 domain (DECIPHER). (I) 0708 - Another missense variant comparable to the one identified in this case has conflicting previous evidence for pathogenicity. p.(Arg3183Gln) has been reported twice as a VUS and once as likely benign (ClinVar). This variant has been referred to as an ultra low penetrant or hypomorphic allele (PMID: 29038287). (I) 0807 - This variant has no previous evidence of pathogenicity. (I) 0905 - No published segregation evidence has been identified for this variant. (I) 1007 - No published functional evidence has been identified for this variant. (I) 1208 - Inheritance information for this variant is not currently available in this individual. (I) Legend: (SP) - Supporting pathogenic, (I) - Information, (SB) - Supporting benign

Literature cited by the submitters: PubMed 29038287.